The following is an entry in ClinVar:

NM_001371623.1(TCOF1):c.1173del (p.Lys393fs)

Gene: TCOF1 (treacle ribosome biogenesis factor 1; plus strand). Cytogenetic location: 5q32.
Variant type: Deletion.
Coding change: c.1173del on transcript NM_001371623.1 (MANE Select); coding-DNA position 1173, one base deleted (T; older notation c.1173delT).
Protein change: p.Lys393fs; shifts the reading frame from lysine 393.
Molecular consequence: frameshift variant.
Genome position (GRCh38, 1-based): chr5:150,374,706, T deleted. VCF-style (leftmost placement, unchanged base first): chr5-150374705-CT-C. GRCh37 (hg19) VCF-style: chr5-149754268-CT-C.
Other names: c.942del, p.Lys316fs (NM_000356.4, NM_001135245.2); c.1173del, p.Lys393fs (NM_001008657.3, NM_001135243.2, NM_001135244.2 and 1 more transcripts); short protein forms K316fs, K393fs.
Identifiers: ClinVar variation 1453106 (VCV001453106.6), dbSNP rs2150695587, ClinGen allele CA2573139296.

ClinVar aggregate classification (germline): Pathogenic (1 of 4 stars; one submission).

Conditions:
Treacher Collins syndrome 1 (TCS1). Also called: TCOF1-Related Treacher Collins Syndrome. Identifiers: Orphanet 861, MedGen CN315775, MONDO:0007944, OMIM 154500.

Submission:

Labcorp Genetics (formerly Invitae), Labcorp
Classification: Pathogenic for Treacher Collins syndrome 1. Last evaluated: 2021-11-08. Review status: criteria provided, single submitter. Criteria: Invitae Variant Classification Sherloc (09022015). Collection method: clinical testing. Allele origin: germline.
Comment: For these reasons, this variant has been classified as Pathogenic. This premature translational stop signal has been observed in individual(s) with Treacher Collins syndrome (PMID: 25790162). This variant is not present in population databases (gnomAD no frequency). This sequence change creates a premature translational stop signal (p.Lys393Argfs*100) in the TCOF1 gene. It is expected to result in an absent or disrupted protein product. Loss-of-function variants in TCOF1 are known to be pathogenic (PMID: 8894686, 22317976).

Literature cited by the submitters: PubMed 25790162; PubMed 8894686; PubMed 22317976.